The following continues an entry in ClinVar:

NM_004004.6(GJB2):c.109G>A (p.Val37Ile)

Gene: GJB2. ClinVar aggregate classification (germline): Pathogenic. Pathogenic (1).

Submissions 4 to 12 of 65:

PreventionGenetics, part of Exact Sciences
Classification: Pathogenic for GJB2-related condition. Last evaluated: 2026-06-26. Review status: criteria provided, single submitter. Criteria: ACMG Guidelines, 2015. Collection method: clinical testing. Allele origin: germline. Not counted in ClinVar's aggregate classification.
Comment: The GJB2 c.109G>A variant is predicted to result in the amino acid substitution p.Val37Ile. This variant in the homozygous state has been reported to be strongly associated with both mild-to-moderate (P=2.0×10-11) and severe-to-profound (P=0.001) hearing impairment, but was estimated to have a low penetrance (17%). Onset of hearing loss was 65% congenital and 35% delayed in individuals that were homozygous for c.109G>A (Chai et al. 2015. PubMed ID: 24654934). This variant has also been reported to cause nonsyndromic hearing loss in the compound heterozygous state with a second disease-causing GJB2 variant (Abe et al. 2000. PubMed ID: 10633133). The c.109G>A variant has been reported at a subpopulation frequency of up to 8.3% in a database of individuals with unknown phenotype, which is unusually high for a pathogenic variant. However, a ClinGen Hearing Loss expert panel has classified this variant as pathogenic for autosomal recessive nonsyndromic hearing loss, noting hearing loss is typically mild with incomplete and possibly age-related penetrance (ClinVar Variation ID: 17023; Shen et al. 2019. PubMed ID: 31160754). This variant is interpreted as pathogenic.

Genetics Laboratory, Great Ormond Street Hospital NHS Foundation Trust, North Thames Genomic Laboratory Hub
Classification: Pathogenic for Monogenic hearing loss. Last evaluated: 2026-06-10. Review status: criteria provided, single submitter. Criteria: ACGS Best Practice Guidelines for Variant Classification in Rare Disease 2024 v1.2. Collection method: clinical testing. Allele origin: germline. Affected: yes. Not counted in ClinVar's aggregate classification.
Comment: PS4_strong, PP1_strong, PM3_moderate

Labcorp Genetics (formerly Invitae), Labcorp
Classification: Pathogenic, low penetrance. Last evaluated: 2026-02-03. Review status: criteria provided, single submitter. Criteria: Invitae Variant Classification Sherloc (09022015). Collection method: clinical testing. Allele origin: germline. Not counted in ClinVar's aggregate classification.
Comment: This sequence change replaces valine, which is neutral and non-polar, with isoleucine, which is neutral and non-polar, at codon 37 of the GJB2 protein (p.Val37Ile). This variant is present in population databases (rs72474224, gnomAD 8%), and has an allele count higher than expected for a pathogenic variant. This variant has been reported in the literature in a large meta-analysis involving several thousand cases and controls (PMID: 28489599). This variant has been reported frequently in individuals affected with mild to moderate deafness particularly among populations in eastern Asia (PMID: 23637863, 26885124, 26061099, 17036313, 16952406, 21488715). It has been shown to segregate with autosomal recessive deafness in families (PMID: 28489599, 24945352, 26088551). Although this variant is more common in the population than expected for a pathogenic variant, the penetrance of this variant is estimated to be less than 20% of other disease-causing variants in GJB2 (PMID: 17935238, 24654934). ClinVar contains an entry for this variant (Variation ID: 17023). Invitae Evidence Modeling of protein sequence and biophysical properties (such as structural, functional, and spatial information, amino acid conservation, physicochemical variation, residue mobility, and thermodynamic stability) has been performed for this missense variant. However, the output from this modeling did not meet the statistical confidence thresholds required to predict the impact of this variant on GJB2 protein function. Experimental studies have shown that this missense change disrupts the formation of homotypic junctional channels in vitro (PMID: 12505163). Furthermore in vivo knock-in and knock-out mouse models recapitulate the deafness phenotype observed in humans (PMID: 27623246). In summary, this variant is reported to cause sensorineural deafness. However, as this variant is associated with a lower penetrance than other pathogenic alleles in the GJB2 gene, it has been classified as Pathogenic (low penetrance).

Department of Otolaryngology Head and Neck Surgery, Hainan Hospital of the Chinese People’s Liberation Army General Hospital
Classification: Pathogenic for Autosomal recessive nonsyndromic hearing loss 1A. Last evaluated: 2026-02-01. Review status: criteria provided, single submitter. Criteria: ACMG Guidelines, 2015. Collection method: clinical testing. Allele origin: germline. Affected: yes. Observed: 445 variant alleles. Not counted in ClinVar's aggregate classification.
Comment: The GJB2 c.109G>A (p.Val37Ile) variant is classified as Pathogenic for autosomal recessive nonsyndromic hearing loss(Accession:VCV000017023.156). According to the ClinGen Hearing Loss Expert Panel, this variant meets criteria PS4, PP1_Strong, and PM3 (Shen 2019). It is the most prevalent GJB2 variant in the Chinese population, with an overall carrier rate of 11.6% and significant regional variation (higher in southern China) (Zhang 2025). In our cohort from Hainan (Li ethnic group), individuals with biallelic genotypes have confirmed hearing loss during clinical follow-up, predominantly presenting with mild-to-moderate, symmetric, high-frequency sloping hearing loss, consistent with recent pediatric studies (Zheng 2025). Heterozygous carriers are asymptomatic, supporting autosomal recessive inheritance. Functional studies and a knock-in mouse model have demonstrated that this variant impacts protein function and exhibits age-related penetrance (Chen 2016, Bruzzone 2003).

According to our local data, the carrier frequency of this variant is approximately 28.6% in the Li ethnic group

3billion
Classification: Pathogenic for Autosomal recessive nonsyndromic hearing loss 1A. Last evaluated: 2026-01-12. Review status: criteria provided, single submitter. Criteria: ACMG Guidelines, 2015. Collection method: clinical testing. Allele origin: germline. Affected: yes. Not counted in ClinVar's aggregate classification.
Comment: The variant is observed in the gnomAD v4.1.0 dataset (total allele frequency: 0.252%). Predicted Consequence/Location: Missense variant In silico tool predictions suggest damaging effect of the variant on gene or gene product [REVEL: 0.66 (>=0.6, sensitivity 0.68 and specificity 0.92); 3Cnet: 0.88 (> 0.75, sensitivity 0.96 and precision 0.92)]. The same nucleotide change resulting in the same amino acid change has been previously reported as pathogenic/likely pathogenic with strong evidence (ClinVar ID: VCV000017023 /PMID: 10633133 /3billion dataset). The variant has been observed in multiple (>3) similarly affected unrelated individuals (PMID: 31160754). The variant has been reported to be in trans with a pathogenic variant as either compound heterozygous or homozygous in at least one similarly affected unrelated individual (PMID: 31160754 /3billion dataset). The variant has been reported to co-segregate with the disease in at least 5 similarly affected relatives/individuals in the same family or similarly affected unrelated families (PMID: 12505163, 16300957, 26088551, 27308859, 27623246, 31160754). Different missense changes at the same codon (p.Val37Ala, p.Val37Leu, p.Val37Phe) have been reported as pathogenic/likely pathogenic with strong evidence (ClinVar ID: VCV000179256, VCV000449490 /PMID: 15365987, 17666888, 37108562 /3billion dataset). Therefore, this variant is classified as Pathogenic according to the recommendation of ACMG/AMP guideline.

Medical and Scientific Branch, Hong Kong Genome Institute
Classification: Pathogenic for Autosomal recessive nonsyndromic hearing loss 1A. Last evaluated: 2025-12-11. Review status: criteria provided, single submitter. Criteria: ACMG Guidelines, 2015. Collection method: clinical testing. Allele origin: germline. Affected: yes. Not counted in ClinVar's aggregate classification.

Victorian Clinical Genetics Services, Murdoch Childrens Research Institute
Classification: Pathogenic for Autosomal recessive nonsyndromic hearing loss 1A. Last evaluated: 2025-10-25. Review status: criteria provided, single submitter. Criteria: ACMG Guidelines, 2015. Collection method: clinical testing. Allele origin: germline. Affected: yes. Not counted in ClinVar's aggregate classification.
Comment: This variant is classified as Pathogenic. Evidence in support of pathogenic classification: This variant has strong previous evidence of pathogenicity in unrelated individuals. This variant has been classified as pathogenic by an expert panel for autosomal recessive deafness (ClinVar); Other missense variants comparable to the one identified in this case have moderate previous evidence for pathogenicity. Alternative changes, p.(Val37Phe) and p.(Val37Ala), have been reported several times as likely pathogenic and once as a VUS in patients with recessive hearing loss (ClinVar). Additional information: Variant is predicted to result in a missense amino acid change from Val to Ile; This variant is heterozygous; This gene is associated with both recessive and dominant disease. The autosomal dominant disease is commonly associated with pathogenic missense variants. The autosomal recessive disease is associated with bi-allelic loss-of-function variants and includes both missense and protein truncating variants (NIH Genetics Home Reference, PMID: 12792423); Variant is present in gnomAD (v4) at a frequency >=0.05 in the East Asian subpopulation (3869 heterozygotes, 101 homozygotes); An alternative amino acid change at the same position has been observed in gnomAD (v4) (54 heterozygotes, 0 homozygotes); Variant is located in the annotated connexin domain (DECIPHER); Missense variant with inconclusive in silico prediction and/or uninformative conservation; Loss of function is a known mechanism of disease in this gene and is associated with both deafness and skin conditions (OMIM). Dominant negative is also a suggested mechanism (PMID: 28428247); The condition associated with this gene has incomplete penetrance. This variant is well known to result in incomplete penetrance in patients with recessive deafness (PMID: 31160754); This variant in known to have variable expressivity (PMID: 31160754). Severity can range from mild to profound with intrafamilial variability also commonly seen. Commonly, truncating variants are associated to a more severe hearing loss (PMID: 20301449); Heterozygous variant detected in trans with a second PATHOGENIC heterozygous variant ( NM_004004.6(GJB2):c.101T>C; p.(Met34Thr)) in a recessive disease; Inheritance information for this variant is not currently available in this individual.

Genomic Medicine Center of Excellence, King Faisal Specialist Hospital and Research Centre
Classification: Likely pathogenic for Autosomal recessive nonsyndromic hearing loss 1A. Last evaluated: 2025-09-10. Review status: criteria provided, single submitter. Criteria: ACMG Guidelines, 2015. Collection method: clinical testing. Allele origin: germline. Not counted in ClinVar's aggregate classification.

Revvity Omics, Revvity
Classification: Pathogenic. Last evaluated: 2025-07-10. Review status: criteria provided, single submitter. Criteria: ACMG Guidelines, 2015. Collection method: clinical testing. Allele origin: germline. Not counted in ClinVar's aggregate classification.